The following is an entry in ClinVar:

ClinVar aggregate classification (germline): Likely benign. Review status: criteria provided, multiple submitters, no conflicts (2 of 4 stars). 2 submissions from 2 submitters: Likely benign (2). Last evaluated 2025-03-01.

Allele frequency attached by ClinVar (database versions not stated): gnomAD exomes 0.00001 and 0.00002; TOPMed below 0.00001; gnomAD 0.00001.

Submissions (2):

CeGaT Center for Human Genetics Tuebingen
Classification: Likely benign. Last evaluated: 2025-03-01. Review status: criteria provided, single submitter. Criteria: CeGaT Center For Human Genetics Tuebingen Variant Classification Criteria Version 2. Collection method: clinical testing. Allele origin: germline. Affected: yes. Observed: 1 variant allele.
Comment: LTBP4: BP4, BP7

GeneDx
Classification: Likely benign. Last evaluated: 2017-11-07. Review status: criteria provided, single submitter. Criteria: GeneDx Variant Classification (06012015). Collection method: clinical testing. Allele origin: germline. Affected: yes.
Comment: This variant is considered likely benign or benign based on one or more of the following criteria: it is a conservative change, it occurs at a poorly conserved position in the protein, it is predicted to be benign by multiple in silico algorithms, and/or has population frequency not consistent with disease.

NM_003573.2(LTBP4):c.9C>T (p.Asp3=)

Gene: LTBP4 (latent transforming growth factor beta binding protein 4; plus strand). Cytogenetic location: 19q13.2.
Variant type: single nucleotide variant.
Coding change: c.9C>T on transcript NM_003573.2; coding-DNA position 9, C replaced by T.
Protein change: p.Asp3=; no amino-acid change (aspartic acid 3 retained).
Molecular consequence: synonymous variant.
Genome position (GRCh38, 1-based): chr19:40,593,174, C>T. VCF-style: chr19-40593174-C-T. GRCh37 (hg19) VCF-style: chr19-41099080-C-T.
Identifiers: ClinVar variation 513133 (VCV000513133.10), dbSNP rs1197222123, ClinGen allele CA633120735.